The following is an entry in ClinVar:

ClinVar aggregate classification (germline): Likely benign. Review status: criteria provided, single submitter (1 of 4 stars). 2 submissions from 2 submitters: Likely benign (1). 1 of the submissions does not count toward it. Last evaluated 2025-10-15.

Conditions:
PCLO-related disorder. Also called: PCLO-related condition.

Allele frequency attached by ClinVar (database versions not stated): gnomAD exomes 0.00003 and 0.00007; ExAC 0.00008; 1000 Genomes Project 0.00020; ESP Exome Variant Server 0.00025; gnomAD 0.00028 and 0.00030; TOPMed 0.00028; 1000 Genomes Project 30x 0.00031.
gnomAD v4.1: 94 of 1,612,468 alleles (0.0058%); highest among the groups gnomAD compares: African/African-American, 0.11%; no homozygotes.

Submissions (2):

Labcorp Genetics (formerly Invitae), Labcorp
Classification: Likely benign. Last evaluated: 2025-10-15. Review status: criteria provided, single submitter. Criteria: Invitae Variant Classification Sherloc (09022015). Collection method: clinical testing. Allele origin: germline.

PreventionGenetics, part of Exact Sciences
Classification: Likely benign for PCLO-related condition. Last evaluated: 2019-06-06. Review status: no assertion criteria provided. Collection method: clinical testing. Allele origin: germline. Not counted in ClinVar's aggregate classification.
Comment: This variant is classified as likely benign based on ACMG/AMP sequence variant interpretation guidelines (Richards et al. 2015 PMID: 25741868, with internal and published modifications).

NM_033026.6(PCLO):c.1044A>G (p.Thr348=)

Gene: PCLO (piccolo presynaptic cytomatrix protein; minus strand). Cytogenetic location: 7q21.11.
Variant type: single nucleotide variant.
Coding change: c.1044A>G on transcript NM_033026.6 (MANE Select); coding-DNA position 1044, A replaced by G.
Protein change: p.Thr348=; no amino-acid change (threonine 348 retained).
Molecular consequence: synonymous variant.
Genome position (GRCh38, 1-based): chr7:83,155,597, T>C on the plus strand (A>G on the coding strand, the complement: PCLO is on the minus strand). VCF-style: chr7-83155597-T-C. GRCh37 (hg19) VCF-style: chr7-82784913-T-C.
Other names: c.1044A>G (NM_033026.5); c.1044A>G, p.Thr348= (NM_014510.3).
Identifiers: ClinVar variation 1669804 (VCV001669804.10), dbSNP rs372277515, ClinGen allele CA4321551.